The following is an entry in ClinVar:

NM_000334.4(SCN4A):c.3939G>A (p.Thr1313=)

Genes: GH-LCR (growth hormone locus control region; plus strand), SCN4A (sodium voltage-gated channel alpha subunit 4; minus strand). Cytogenetic location: 17q23.3.
Variant type: single nucleotide variant.
Coding change: c.3939G>A on transcript NM_000334.4 (MANE Select); coding-DNA position 3939, G replaced by A.
Protein change: p.Thr1313=; no amino-acid change (threonine 1313 retained).
Molecular consequence: synonymous variant.
Genome position (GRCh38, 1-based): chr17:63,943,824, C>T on the plus strand (G>A on the coding strand, the complement: SCN4A is on the minus strand). VCF-style: chr17-63943824-C-T. GRCh37 (hg19) VCF-style: chr17-62021184-C-T.
Identifiers: ClinVar variation 642573 (VCV000642573.11), dbSNP rs769542012, ClinGen allele CA8709101.

ClinVar aggregate classification (germline): Likely benign. Review status: criteria provided, multiple submitters, no conflicts (2 of 4 stars). 2 submissions from 2 submitters: Likely benign (2). Last evaluated 2026-07-01.

Conditions:
Hyperkalemic periodic paralysis. Also called: Familial hyperkalemic periodic paralysis; Gamstorp disease. Identifiers: Orphanet 682, MedGen C0238357, MONDO:0008224, OMIM 170500, HP:0007215.

Allele frequency attached by ClinVar (database versions not stated): ExAC 0.00003; gnomAD 0.00003 and 0.00004; gnomAD exomes 0.00004; TOPMed 0.00004.
gnomAD v4.1: 55 of 1,612,656 alleles (0.0034%); highest among the groups gnomAD compares: Middle Eastern, 0.016%; no homozygotes.

Submissions (2):

CeGaT Center for Human Genetics Tuebingen
Classification: Likely benign. Last evaluated: 2026-07-01. Review status: criteria provided, single submitter. Criteria: CeGaT Center For Human Genetics Tuebingen Variant Classification Criteria Version 2. Collection method: clinical testing. Allele origin: germline. Affected: yes. Observed: 1 variant allele.
Comment: SCN4A: BP4, BP7

Labcorp Genetics (formerly Invitae), Labcorp
Classification: Likely benign for Hyperkalemic periodic paralysis. Last evaluated: 2025-08-20. Review status: criteria provided, single submitter. Criteria: Invitae Variant Classification Sherloc (09022015). Collection method: clinical testing. Allele origin: germline.